The following is an entry in ClinVar:

ClinVar aggregate classification (germline): Uncertain significance (1 of 4 stars; one submission).

Conditions:
3-methylglutaconic aciduria, type VIIB (MGCA7B). Also called: CLPB Deficiency; 3-methylglutaconic aciduria, type VII, with cataracts, neurologic involvement and neutropenia; 3-methylglutaconic aciduria with cataracts, neurologic involvement and neutropenia. Identifiers: Orphanet 445038, MedGen C5676893, MONDO:0014561, OMIM 616271.

Allele frequency attached by ClinVar (database versions not stated): gnomAD exomes below 0.00001; ExAC 0.00003.
gnomAD v4.1: 5 of 1,613,518 alleles (0.00031%); highest among the groups gnomAD compares: Admixed American, 0.0017%; no homozygotes.

Submission:

Labcorp Genetics (formerly Invitae), Labcorp
Classification: Uncertain significance for 3-methylglutaconic aciduria, type VIIB. Last evaluated: 2023-10-13. Review status: criteria provided, single submitter. Criteria: Invitae Variant Classification Sherloc (09022015). Collection method: clinical testing. Allele origin: germline.
Comment: This sequence change replaces valine, which is neutral and non-polar, with isoleucine, which is neutral and non-polar, at codon 183 of the CLPB protein (p.Val183Ile). This variant is present in population databases (rs769716909, gnomAD 0.004%). This variant has not been reported in the literature in individuals affected with CLPB-related conditions. ClinVar contains an entry for this variant (Variation ID: 2059102). Algorithms developed to predict the effect of missense changes on protein structure and function output the following: SIFT: "Not Available"; PolyPhen-2: "Benign"; Align-GVGD: "Not Available". The isoleucine amino acid residue is found in multiple mammalian species, which suggests that this missense change does not adversely affect protein function. In summary, the available evidence is currently insufficient to determine the role of this variant in disease. Therefore, it has been classified as a Variant of Uncertain Significance.

NM_001258392.3(CLPB):c.547G>A (p.Val183Ile)

Gene: CLPB (ClpB family mitochondrial disaggregase; minus strand). Cytogenetic location: 11q13.4.
Variant type: single nucleotide variant.
Coding change: c.547G>A on transcript NM_001258392.3 (MANE Select); coding-DNA position 547, G replaced by A.
Protein change: p.Val183Ile; replaces valine 183 with isoleucine.
Molecular consequence: missense variant.
Genome position (GRCh38, 1-based): chr11:72,380,380, C>T on the plus strand (G>A on the coding strand, the complement: CLPB is on the minus strand). VCF-style: chr11-72380380-C-T. GRCh37 (hg19) VCF-style: chr11-72091424-C-T.
Other names: c.460G>A, p.Val154Ile (NM_001258393.3); c.412G>A, p.Val138Ile (NM_001258394.3); c.547G>A, p.Val183Ile (NM_030813.6); short protein forms V154I, V138I, V183I.
Identifiers: ClinVar variation 2059102 (VCV002059102.4), dbSNP rs769716909, ClinGen allele CA6171519.